The following is an entry in ClinVar:

ClinVar aggregate classification (germline): Uncertain significance (1 of 4 stars; one submission).

Submission:

Dasa
Classification: Uncertain significance. Last evaluated: 2025-09-01. Review status: criteria provided, single submitter. Criteria: DASA Assertion Criteria. Collection method: clinical testing. Allele origin: germline.
Comment: NM_004082.5(DCTN1):c.2234A>G (p.Gln745Arg) is a missense variant that results in the substitution of glutamine with arginine. This variant is absent from population databases. The currently available literature and clinical evidence are not sufficient to establish a definitive association between this variant and the reported condition. Therefore, this variant is classified as a variant of uncertain significance.

NM_004082.5(DCTN1):c.2234A>G (p.Gln745Arg)

Gene: DCTN1 (dynactin subunit 1; minus strand). Cytogenetic location: 2p13.1.
Variant type: single nucleotide variant.
Coding change: c.2234A>G on transcript NM_004082.5 (MANE Select); coding-DNA position 2234, A replaced by G.
Protein change: p.Gln745Arg; replaces glutamine 745 with arginine.
Molecular consequence: missense variant. On other transcripts: non-coding transcript variant (1).
Genome position (GRCh38, 1-based): chr2:74,367,371, T>C on the plus strand (A>G on the coding strand, the complement: DCTN1 is on the minus strand). VCF-style: chr2-74367371-T-C. GRCh37 (hg19) VCF-style: chr2-74594498-T-C.
Other names: c.2174A>G, p.Gln725Arg (NM_001135040.3); c.1832A>G, p.Gln611Arg (NM_001135041.3, NM_023019.4); c.2123A>G, p.Gln708Arg (NM_001190836.2); c.2213A>G, p.Gln738Arg (NM_001190837.2); c.2183A>G, p.Gln728Arg (NM_001378991.1); c.2165A>G, p.Gln722Arg (NM_001378992.1); short protein forms Q611R, Q708R, Q722R, Q725R, Q728R, Q738R, Q745R.
Identifiers: ClinVar variation 4881852 (VCV004881852.2).
Genomic context (GRCh38, chr2:74,367,371, plus strand): 5'-TGATCTCCACGGGGGCTCAATCACTGGCCCAGATACTTCACCTTAATGTGGTCAGCCAGC[T>C]GCATAGTACAGTCCTCAGGCTGTTCGGCAAGGTGGATGCTGTACAGATGCTGAGGAGAGA-3'
Protein context (NP_004073.2, residues 735-755): LAEQPEDCTM[Gln745Arg]LADHIKFTQS